The following is an entry in ClinVar:

ClinVar aggregate classification (germline): Likely benign (1 of 4 stars; one submission).

gnomAD v4.1: 3 of 1,614,186 alleles (0.00019%); highest among the groups gnomAD compares: Non-Finnish European, 0.00025%; no homozygotes.

Submission:

CeGaT Center for Human Genetics Tuebingen
Classification: Likely benign. Last evaluated: 2023-08-01. Review status: criteria provided, single submitter. Criteria: CeGaT Center For Human Genetics Tuebingen Variant Classification Criteria Version 2. Collection method: clinical testing. Allele origin: germline. Affected: yes. Observed: 1 variant allele.
Comment: SYNE1: PM2:Supporting, BP4, BP7

NM_182961.4(SYNE1):c.5710T>C (p.Leu1904=)

Gene: SYNE1 (spectrin repeat containing nuclear envelope protein 1; minus strand). Cytogenetic location: 6q25.2.
Variant type: single nucleotide variant.
Coding change: c.5710T>C on transcript NM_182961.4 (MANE Select); coding-DNA position 5710, T replaced by C.
Protein change: p.Leu1904=; no amino-acid change (leucine 1904 retained).
Molecular consequence: synonymous variant.
Genome position (GRCh38, 1-based): chr6:152,416,727, A>G on the plus strand (T>C on the coding strand, the complement: SYNE1 is on the minus strand). VCF-style: chr6-152416727-A-G. GRCh37 (hg19) VCF-style: chr6-152737862-A-G.
Other names: c.5731T>C, p.Leu1911= (NM_033071.5).
Identifiers: ClinVar variation 2579010 (VCV002579010.25), dbSNP rs372724272, ClinGen allele CA452973059.